The following is an entry in ClinVar:

NM_001177316.2(SLC34A3):c.182G>A (p.Arg61His)

Gene: SLC34A3 (solute carrier family 34 member 3; plus strand). Cytogenetic location: 9q34.3.
Variant type: single nucleotide variant.
Coding change: c.182G>A on transcript NM_001177316.2 (MANE Select); coding-DNA position 182, G replaced by A.
Protein change: p.Arg61His; replaces arginine 61 with histidine.
Molecular consequence: missense variant.
Genome position (GRCh38, 1-based): chr9:137,232,581, G>A. VCF-style: chr9-137232581-G-A. GRCh37 (hg19) VCF-style: chr9-140127033-G-A.
Other names: c.182G>A, p.Arg61His (NM_001177317.2, NM_080877.3); short protein forms R61H.
Identifiers: ClinVar variation 4760080 (VCV004760080.1).

ClinVar aggregate classification (germline): Uncertain significance (1 of 4 stars; one submission).

gnomAD v4.1: 24 of 1,609,014 alleles (0.0015%); highest among the groups gnomAD compares: East Asian, 0.018%; no homozygotes.

Submission:

Labcorp Genetics (formerly Invitae), Labcorp
Classification: Uncertain significance. Last evaluated: 2025-10-01. Review status: criteria provided, single submitter. Criteria: Invitae Variant Classification Sherloc (09022015). Collection method: clinical testing. Allele origin: germline.
Comment: This sequence change replaces arginine, which is basic and polar, with histidine, which is basic and polar, at codon 61 of the SLC34A3 protein (p.Arg61His). This variant is present in population databases (rs548021746, gnomAD 0.02%). This variant has not been reported in the literature in individuals affected with SLC34A3-related conditions. Invitae Evidence Modeling of protein sequence and biophysical properties (such as structural, functional, and spatial information, amino acid conservation, physicochemical variation, residue mobility, and thermodynamic stability) indicates that this missense variant is not expected to disrupt SLC34A3 protein function with a negative predictive value of 80%. In summary, the available evidence is currently insufficient to determine the role of this variant in disease. Therefore, it has been classified as a Variant of Uncertain Significance.